The following is an entry in ClinVar:

NM_001556.3(IKBKB):c.2254del (p.Leu752fs)

Gene: IKBKB (inhibitor of nuclear factor kappa B kinase subunit beta; plus strand). Cytogenetic location: 8p11.21.
Variant type: Deletion.
Coding change: c.2254del on transcript NM_001556.3 (MANE Select); coding-DNA position 2254, one base deleted (C; older notation c.2254delC).
Protein change: p.Leu752fs; shifts the reading frame from leucine 752.
Molecular consequence: frameshift variant. On other transcripts: non-coding transcript variant (3).
Genome position (GRCh38, 1-based): chr8:42,330,962, C deleted; the last of 2 consecutive C bases (chr8:42,330,961-42,330,962); deleting either gives the same sequence. VCF-style (leftmost placement, unchanged base first): chr8-42330960-GC-G. GRCh37 (hg19) VCF-style: chr8-42188478-GC-G.
Other names: c.2062del, p.Leu688fs (NM_001190720.3); c.2077del, p.Leu693fs (NM_001242778.2); short protein forms L752fs, L693fs, L688fs.
Identifiers: ClinVar variation 4726068 (VCV004726068.1).

ClinVar aggregate classification (germline): Uncertain significance (1 of 4 stars; one submission).

Conditions:
Severe combined immunodeficiency due to IKK2 deficiency. Also called: IMMUNODEFICIENCY 15B; Immunodeficiency 15. Identifiers: Orphanet 397787, MedGen C4747743, MONDO:0014267, OMIM 615592.

Submission:

Labcorp Genetics (formerly Invitae), Labcorp
Classification: Uncertain significance for Severe combined immunodeficiency due to IKK2 deficiency. Last evaluated: 2025-08-25. Review status: criteria provided, single submitter. Criteria: Invitae Variant Classification Sherloc (09022015). Collection method: clinical testing. Allele origin: germline.
Comment: This sequence change is expected to alter the c-terminus of the IKBKB protein (p.Leu752Trpfs*19). While this is not anticipated to result in nonsense mediated decay, it is expected to disrupt the last 5 amino acid(s) of the IKBKB protein and extend the protein by 13 additional amino acid residues. This variant is not present in population databases (gnomAD no frequency). This variant has not been reported in the literature in individuals affected with IKBKB-related conditions. Experimental studies and prediction algorithms are not available or were not evaluated, and the functional significance of this variant is currently unknown. In summary, the available evidence is currently insufficient to determine the role of this variant in disease. Therefore, it has been classified as a Variant of Uncertain Significance.